The following is an entry in ClinVar:

ClinVar aggregate classification (germline): Uncertain significance (0 of 4 stars; one submission).

Conditions:
ALMS1-related disorder. Also called: ALMS1-related condition.

Submission:

PreventionGenetics, part of Exact Sciences
Classification: Uncertain significance for ALMS1-related condition. Last evaluated: 2024-05-13. Review status: no assertion criteria provided. Collection method: clinical testing. Allele origin: germline.
Comment: The ALMS1 c.9451A>G variant is predicted to result in the amino acid substitution p.Ile3151Val. To our knowledge, this variant has not been reported in the literature. This variant is reported in 0.0029% of alleles in individuals of Latino descent in gnomAD. At this time, the clinical significance of this variant is uncertain due to the absence of conclusive functional and genetic evidence.

NM_001378454.1(ALMS1):c.9448A>G (p.Ser3150Gly)

Gene: ALMS1 (ALMS1 centrosome and basal body associated protein; plus strand). Cytogenetic location: 2p13.1.
Variant type: single nucleotide variant.
Coding change: c.9448A>G on transcript NM_001378454.1 (MANE Select); coding-DNA position 9448, A replaced by G.
Protein change: p.Ser3150Gly; replaces serine 3150 with glycine.
Molecular consequence: missense variant.
Genome position (GRCh38, 1-based): chr2:73,491,407, A>G. VCF-style: chr2-73491407-A-G. GRCh37 (hg19) VCF-style: chr2-73718534-A-G.
Other names: c.9451A>G, p.Ser3151Gly (NM_015120.4); short protein forms S3150G, S3151G.
Identifiers: ClinVar variation 3345400 (VCV003345400.1).